The following is an entry in ClinVar:

NM_000530.8(MPZ):c.68-2A>C

Gene: MPZ (myelin protein zero; minus strand). Cytogenetic location: 1q23.3.
Variant type: single nucleotide variant.
Coding change: c.68-2A>C on transcript NM_000530.8 (MANE Select); the canonical splice acceptor site of the intron before coding-DNA position 68, A replaced by C.
Molecular consequence: splice acceptor variant.
Genome position (GRCh38, 1-based): chr1:161,307,426, T>G on the plus strand (A>C on the coding strand, the complement: MPZ is on the minus strand). VCF-style: chr1-161307426-T-G. GRCh37 (hg19) VCF-style: chr1-161277216-T-G.
Other names: c.68-2A>C (NM_001315491.2).
Identifiers: ClinVar variation 1180633 (VCV001180633.3), dbSNP rs2102260263, ClinGen allele CA343351748.

ClinVar aggregate classification (germline): Likely pathogenic. Review status: criteria provided, multiple submitters, no conflicts (2 of 4 stars). 2 submissions from 2 submitters: Likely pathogenic (2). Last evaluated 2024-10-22.

Conditions:
Charcot-Marie-Tooth disease, type I (CMT1). Also called: Charcot-Marie-Tooth, Type 1; Charcot-Marie-Tooth disease type 1. Identifiers: Orphanet 65753, MedGen C0751036, MONDO:0019011.
Peripheral neuropathy. Also called: Neuropathy. Identifiers: MedGen C0031117, MONDO:0005244, HP:0009830.

Submissions (2):

Labcorp Genetics (formerly Invitae), Labcorp
Classification: Likely pathogenic for Charcot-Marie-Tooth disease, type I. Last evaluated: 2024-10-22. Review status: criteria provided, single submitter. Criteria: Invitae Variant Classification Sherloc (09022015). Collection method: clinical testing. Allele origin: germline.
Comment: This sequence change affects an acceptor splice site in intron 1 of the MPZ gene. It is expected to disrupt RNA splicing. Variants that disrupt the donor or acceptor splice site typically lead to a loss of protein function (PMID: 16199547), and loss-of-function variants in MPZ are known to be pathogenic (PMID: 14711881). This variant is not present in population databases (gnomAD no frequency). This variant has not been reported in the literature in individuals affected with MPZ-related conditions. ClinVar contains an entry for this variant (Variation ID: 1180633). Algorithms developed to predict the effect of sequence changes on RNA splicing suggest that this variant may disrupt the consensus splice site. In summary, the currently available evidence indicates that the variant is pathogenic, but additional data are needed to prove that conclusively. Therefore, this variant has been classified as Likely Pathogenic.

Kariminejad - Najmabadi Pathology & Genetics Center
Classification: Likely pathogenic for Peripheral neuropathy. Last evaluated: 2021-07-10. Review status: criteria provided, single submitter. Criteria: ACMG Guidelines, 2015. Collection method: clinical testing. Allele origin: germline. Affected: yes.

Literature cited by the submitters: PubMed 16199547 (cited by Labcorp Genetics (formerly Invitae), Labcorp); PubMed 14711881 (cited by Labcorp Genetics (formerly Invitae), Labcorp).